The following is an entry in ClinVar:

ClinVar aggregate classification (germline): Benign. Review status: criteria provided, multiple submitters, no conflicts (2 of 4 stars). 3 submissions from 3 submitters: Benign (2). 1 of the submissions does not count toward it. Last evaluated 2017-08-03.

Conditions:
MAN1C1-related disorder. Also called: MAN1C1-related condition.

Allele frequency attached by ClinVar (database versions not stated): gnomAD exomes 0.00101 and 0.00236; gnomAD 0.00939 and 0.00994; ESP Exome Variant Server 0.01046; 1000 Genomes Project 0.01118; 1000 Genomes Project 30x 0.01202; TOPMed 0.01009; ExAC 0.00325.
gnomAD v4.1: 2,965 of 1,611,306 alleles (0.18%); highest among the groups gnomAD compares: African/African-American, 3.2%; 42 homozygotes.

Submissions (3):

Labcorp Genetics (formerly Invitae), Labcorp
Classification: Benign. Last evaluated: 2017-08-03. Review status: criteria provided, single submitter. Criteria: Invitae Variant Classification Sherloc (09022015). Collection method: clinical testing. Allele origin: germline.

Breakthrough Genomics
Classification: Benign. Review status: criteria provided, single submitter. Criteria: ACMG Guidelines, 2015. Collection method: not provided. Allele origin: germline. Inheritance: Unknown mechanism. Affected: yes.

PreventionGenetics, part of Exact Sciences
Classification: Benign for MAN1C1-related condition. Last evaluated: 2019-05-28. Review status: no assertion criteria provided. Collection method: clinical testing. Allele origin: germline. Not counted in ClinVar's aggregate classification.
Comment: This variant is classified as benign based on ACMG/AMP sequence variant interpretation guidelines (Richards et al. 2015 PMID: 25741868, with internal and published modifications).

NM_020379.4(MAN1C1):c.756C>T (p.Ser252=)

Gene: MAN1C1 (mannosidase alpha class 1C member 1; plus strand). Cytogenetic location: 1p36.11.
Variant type: single nucleotide variant.
Coding change: c.756C>T on transcript NM_020379.4 (MANE Select); coding-DNA position 756, C replaced by T.
Protein change: p.Ser252=; no amino-acid change (serine 252 retained).
Molecular consequence: synonymous variant. On other transcripts: intron variant (1).
Genome position (GRCh38, 1-based): chr1:25,749,257, C>T. VCF-style: chr1-25749257-C-T. GRCh37 (hg19) VCF-style: chr1-26075748-C-T.
Other names: c.756C>T, p.Ser252= (NM_001289010.2, NM_001385183.1); c.858C>T, p.Ser286= (NM_001385182.1); c.69C>T, p.Ser23= (NM_001385185.1); c.638-22400C>T (NM_001385184.1).
Identifiers: ClinVar variation 783280 (VCV000783280.6), dbSNP rs116009723, ClinGen allele CA696017.